The following is an entry in ClinVar:

ClinVar aggregate classification (germline): Likely pathogenic. Review status: criteria provided, multiple submitters, no conflicts (2 of 4 stars). 5 submissions from 5 submitters: Likely pathogenic (4). 1 of the submissions does not count toward it. Last evaluated 2024-11-22.

Conditions:
Hereditary nonpolyposis colorectal neoplasms. Identifiers: MedGen C0009405, MeSH D003123.
Hereditary cancer-predisposing syndrome. Also called: Tumor predisposition; Hereditary Cancer Syndrome; Hereditary neoplastic syndrome; Neoplastic Syndromes, Hereditary. Identifiers: Orphanet 140162, MedGen C0027672, MeSH D009386, MONDO:0015356.
Endometrial carcinoma. Also called: Endometrial carcinoma, somatic. Identifiers: MedGen C0476089, MONDO:0002447, OMIM 608089, HP:0012114.

Submissions (5):

GeneDx
Classification: Likely pathogenic. Last evaluated: 2024-11-22. Review status: criteria provided, single submitter. Criteria: GeneDx Variant Classification Process June 2021. Collection method: clinical testing. Allele origin: germline. Affected: yes.
Comment: This in-frame deletion of 3 nucleotides in MSH6 is denoted c.3694_3696delGTT at the cDNA level and p.Val1232del (V1232del) at the protein level. The normal sequence, with the bases that are deleted in braces, is AGTT[GTT]AAAG. This deletion of a single Valine residue occurs at a position that is conserved across species and is located within the MutS domain V (Terui 2013). This variant has been observed in at least one individual with endometrial cancer (Buchanan 2014). Since in-frame deletions may or may not inhibit proper protein functioning, the clinical significance of this finding remains unclear at this time and we consider MSH6 Val1232del to be a variant of uncertain significance.

Labcorp Genetics (formerly Invitae), Labcorp
Classification: Likely pathogenic for Hereditary nonpolyposis colorectal neoplasms. Last evaluated: 2024-05-18. Review status: criteria provided, single submitter. Criteria: Invitae Variant Classification Sherloc (09022015). Collection method: clinical testing. Allele origin: germline.
Comment: This variant, c.3694_3696del, results in the deletion of 1 amino acid(s) of the MSH6 protein (p.Val1232del), but otherwise preserves the integrity of the reading frame. This variant is not present in population databases (gnomAD no frequency). This variant has been observed in individuals with clinical features of Lynch syndrome (PMID: 24323032, 28491141; Invitae; external communication). It has also been observed to segregate with disease in related individuals. ClinVar contains an entry for this variant (Variation ID: 89448). Experimental studies and prediction algorithms are not available or were not evaluated, and the functional significance of this variant is currently unknown. In summary, the currently available evidence indicates that the variant is pathogenic, but additional data are needed to prove that conclusively. Therefore, this variant has been classified as Likely Pathogenic.

Ambry Genetics
Classification: Likely pathogenic for Hereditary cancer-predisposing syndrome. Last evaluated: 2024-04-26. Review status: criteria provided, single submitter. Criteria: Ambry Variant Classification Scheme 2023. Collection method: clinical testing. Allele origin: germline.
Comment: The c.3694_3696delGTT variant (also known as p.V1232del) is located in coding exon 8 of the MSH6 gene. This variant results from an in-frame deletion of 3 nucleotides (GTT) at positions 3694 to 3696, causing the removal of a highly conserved valine residue at codon 1232. This alteration has been identified in several probands with Lynch syndrome-associated tumors that demonstrated isolated loss of MSH6 expression on immunohistochemistry (Ambry internal data; Buchanan DD et al. J. Clin. Oncol., 2014 Jan;32:90-100; Brennan B et al. Therap Adv Gastroenterol, 2017 Apr;10:361-371). Based on an internal structural assessment, this alteration disrupts the structure of the ATPase domain (Ambry internal data; Warren JJ et al. Mol. Cell, 2007 May;26:579-92). This variant was not reported in population-based cohorts in the Genome Aggregation Database (gnomAD). In addition, this alteration is predicted to be deleterious by in silico analysis (Choi Y et al. PLoS ONE. 2012; 7(10):e46688). Based on the majority of available evidence to date, this variant is likely to be pathogenic.

Revvity Omics, Revvity
Classification: Likely pathogenic. Last evaluated: 2022-09-07. Review status: criteria provided, single submitter. Criteria: ACMG Guidelines, 2015. Collection method: clinical testing. Allele origin: germline.

Department of Pathology and Laboratory Medicine, Sinai Health System
Classification: Uncertain significance for Endometrial carcinoma. Review status: flagged submission. Collection method: clinical testing. Allele origin: unknown. Affected: yes. Study: The Canadian Open Genetics Repository (COGR). Not counted in ClinVar's aggregate classification.
Comment: The MSH6 p.Val1232del variant was identified in 1 of 1404 proband chromosomes (frequency: 0.0007) from individuals or families with Endometrial cancer (Buchanan 2014). The variant was also identified in dbSNP (ID: rs587779284) as "With Uncertain significance allele", ClinVar (classified as uncertain significance by InSight, geneDx and Ambry Genetics), UMD-LSDB (1x as unclassified variant), and in Insight Hereditary Tumors Database (1x). The variant was not identified in COGR, Cosmic, Zhejiang University Database, or Mismatch Repair Genes Variant Database. The variant was not identified in the following control databases: the Exome Aggregation Consortium (August 8th 2016), or the Genome Aggregation Database (Feb 27, 2017). This variant is an in-frame deletion resulting in the removal of a valine (val) residue at codon 1232; the impact of this alteration on MSH6 protein function is not known. In addition, the splicing consensus sequence and in silico or computational prediction software programs (SpliceSiteFinder, MaxEntScan, NNSPLICE, GeneSplicer) do not predict a difference in splicing. In summary, based on the above information the clinical significance of this variant cannot be determined with certainty at this time. This variant is classified as a variant of uncertain significance.
ClinVar note: Reason: Outlier claim with insufficient supporting evidence

Literature cited by the submitters: PubMed 24323032 (cited by Labcorp Genetics (formerly Invitae), Labcorp and Ambry Genetics); PubMed 28491141 (cited by Labcorp Genetics (formerly Invitae), Labcorp and Ambry Genetics); PubMed 17531815 (cited by Ambry Genetics).

NM_000179.3(MSH6):c.3691GTT[1] (p.Val1232del)

Gene: MSH6 (mutS homolog 6; plus strand). Cytogenetic location: 2p16.3.
Variant type: Microsatellite.
Coding change: c.3691GTT[1] on transcript NM_000179.3 (MANE Select); one copy of the 3-base unit GTT starting at c.3691; the reference has two copies in a row; one copy, 3 bases deleted.
Protein change: p.Val1232del; deletes valine 1232.
Molecular consequence: inframe deletion.
Genome position (GRCh38, 1-based): chr2:47,806,251-47,806,253, GTT deleted; deleting any 3 consecutive bases within chr2:47,806,248-47,806,253 gives the same sequence; the position shown is the placement nearest the transcript's 3' end. VCF-style (leftmost placement, unchanged base first): chr2-47806247-AGTT-A. GRCh37 (hg19) VCF-style: chr2-48033386-AGTT-A.
Other names: c.3301GTT[1], p.Val1102del (NM_001281492.2); c.2785GTT[1], p.Val930del (NM_001281493.2, NM_001281494.2); c.3694_3696delGTT (NM_000179.2); short protein forms V1232del, V930del, V1102del.
Identifiers: ClinVar variation 89448 (VCV000089448.18), dbSNP rs587779284, ClinGen allele CA013845.